The following is an entry in ClinVar:

ClinVar aggregate classification (germline): Uncertain significance (1 of 4 stars; one submission).

Conditions:
Charcot-Marie-Tooth disease type 2. Also called: Charcot-Marie-Tooth type 2. Identifiers: Orphanet 64746, MedGen C0270914, MONDO:0018993.

Submission:

Labcorp Genetics (formerly Invitae), Labcorp
Classification: Uncertain significance for Charcot-Marie-Tooth disease type 2. Last evaluated: 2025-09-03. Review status: criteria provided, single submitter. Criteria: Invitae Variant Classification Sherloc (09022015). Collection method: clinical testing. Allele origin: germline.
Comment: This sequence change replaces isoleucine, which is neutral and non-polar, with asparagine, which is neutral and polar, at codon 38 of the BSCL2 protein (p.Ile38Asn). This variant is not present in population databases (gnomAD no frequency). This variant has not been reported in the literature in individuals affected with BSCL2-related conditions. Invitae Evidence Modeling of protein sequence and biophysical properties (such as structural, functional, and spatial information, amino acid conservation, physicochemical variation, residue mobility, and thermodynamic stability) indicates that this missense variant is not expected to disrupt BSCL2 protein function with a negative predictive value of 80%. In summary, the available evidence is currently insufficient to determine the role of this variant in disease. Therefore, it has been classified as a Variant of Uncertain Significance.

NM_001122955.4(BSCL2):c.305T>A (p.Ile102Asn)

Genes: BSCL2 (BSCL2 lipid droplet biogenesis associated, seipin; minus strand), HNRNPUL2-BSCL2 (HNRNPUL2-BSCL2 readthrough (NMD candidate); minus strand). Cytogenetic location: 11q12.3.
Variant type: single nucleotide variant.
Coding change: c.305T>A on transcript NM_001122955.4 (MANE Select); coding-DNA position 305, T replaced by A.
Protein change: p.Ile102Asn; replaces isoleucine 102 with asparagine.
Molecular consequence: missense variant. On other transcripts: non-coding transcript variant (1).
Genome position (GRCh38, 1-based): chr11:62,705,400, A>T on the plus strand (T>A on the coding strand, the complement: BSCL2 is on the minus strand). VCF-style: chr11-62705400-A-T. GRCh37 (hg19) VCF-style: chr11-62472872-A-T.
Other names: c.305T>A, p.Ile102Asn (NM_001386027.1, NM_001386028.1); c.113T>A, p.Ile38Asn (NM_032667.6, NM_001130702.2); short protein forms I102N, I38N.
Identifiers: ClinVar variation 4738248 (VCV004738248.1).